The following is an entry in ClinVar:

NM_021922.3(FANCE):c.1237G>A (p.Gly413Ser)

Gene: FANCE (FA complementation group E; plus strand). Cytogenetic location: 6p21.31.
Variant type: single nucleotide variant.
Coding change: c.1237G>A on transcript NM_021922.3 (MANE Select); coding-DNA position 1237, G replaced by A.
Protein change: p.Gly413Ser; replaces glycine 413 with serine.
Molecular consequence: missense variant.
Genome position (GRCh38, 1-based): chr6:35,459,454, G>A. VCF-style: chr6-35459454-G-A. GRCh37 (hg19) VCF-style: chr6-35427231-G-A.
Other names: short protein forms G413S.
Identifiers: ClinVar variation 847945 (VCV000847945.11), dbSNP rs757769907, ClinGen allele CA3771629.
Genomic context (GRCh38, chr6:35,459,454, plus strand): 5'-AAATATACATACCCTGTCTGCAGCGCCCTCCTTGACCCTGTGCTCCAGGCCCCAGGCACA[G>A]GTAATTCTGGAACCAGCCCCAGGCCCAGTAGCTCTGCCCTCAGTGTTCTCAGCATCCTTC-3'
Protein context (NP_068741.1, residues 403-423): LDPVLQAPGT[Gly413Ser]PAQTELLCCL

ClinVar aggregate classification (germline): Uncertain significance. Review status: criteria provided, multiple submitters, no conflicts (2 of 4 stars). 2 submissions from 2 submitters: Uncertain significance (2). Last evaluated 2024-02-21.

Conditions:
Fanconi anemia complementation group E (FANCE). Also called: FANCE-Related Fanconi Anemia. Identifiers: Orphanet 84, MedGen C3160739, MONDO:0010953, OMIM 600901.

Allele frequency attached by ClinVar (database versions not stated): gnomAD exomes below 0.00001; ExAC 0.00001.

Submissions (3):

Fulgent Genetics
Classification: Uncertain significance for Fanconi anemia complementation group E. Last evaluated: 2024-02-21. Review status: criteria provided, single submitter. Criteria: ACMG Guidelines, 2015. Collection method: clinical testing. Allele origin: germline.

Labcorp Genetics (formerly Invitae), Labcorp
Classification: Uncertain significance for Fanconi anemia complementation group E. Last evaluated: 2019-12-11. Review status: criteria provided, single submitter. Criteria: Invitae Variant Classification Sherloc (09022015). Collection method: clinical testing. Allele origin: germline.
Comment: Algorithms developed to predict the effect of missense changes on protein structure and function (SIFT, PolyPhen-2, Align-GVGD) all suggest that this variant is likely to be disruptive, but these predictions have not been confirmed by published functional studies and their clinical significance is uncertain. This variant has not been reported in the literature in individuals with FANCE-related conditions. This variant is present in population databases (rs757769907, ExAC 0.001%). This sequence change replaces glycine with serine at codon 413 of the FANCE protein (p.Gly413Ser). The glycine residue is highly conserved and there is a small physicochemical difference between glycine and serine. This variant also falls at the last nucleotide of exon 6 of the FANCE coding sequence, which is part of the consensus splice site for this exon. In summary, the available evidence is currently insufficient to determine the role of this variant in disease. Therefore, it has been classified as a Variant of Uncertain Significance. Nucleotide substitutions within the consensus splice site are a relatively common cause of aberrant splicing (PMID: 17576681, 9536098). Algorithms developed to predict the effect of sequence changes on RNA splicing suggest that this variant may disrupt the consensus splice site, but this prediction has not been confirmed by published transcriptional studies.

Dr. Peter K. Rogan Lab, Western University
No classification provided (evidence only). Condition: Colorectal cancer. Review status: no classification provided. Collection method: in vitro. Allele origin: not applicable. Functional consequence: skipped exon, retained intron. Not counted in ClinVar's aggregate classification.

Literature cited by the submitters: PubMed 17576681 (cited by Labcorp Genetics (formerly Invitae), Labcorp); PubMed 9536098 (cited by Labcorp Genetics (formerly Invitae), Labcorp).